The following is an entry in ClinVar:

NM_024408.4(NOTCH2):c.5403G>T (p.Arg1801Ser)

Gene: NOTCH2 (notch receptor 2; minus strand). Cytogenetic location: 1p12.
Variant type: single nucleotide variant.
Coding change: c.5403G>T on transcript NM_024408.4 (MANE Select); coding-DNA position 5403, G replaced by T.
Protein change: p.Arg1801Ser; replaces arginine 1801 with serine.
Molecular consequence: missense variant.
Genome position (GRCh38, 1-based): chr1:119,920,305, C>A on the plus strand (G>T on the coding strand, the complement: NOTCH2 is on the minus strand). VCF-style: chr1-119920305-C-A. GRCh37 (hg19) VCF-style: chr1-120462928-C-A.
Other names: c.5403G>T (NM_024408.3); short protein forms R1801S.
Identifiers: ClinVar variation 2880814 (VCV002880814.6), dbSNP rs769458761, ClinGen allele CA1039644.

ClinVar aggregate classification (germline): Uncertain significance. Review status: criteria provided, multiple submitters, no conflicts (2 of 4 stars). 3 submissions from 3 submitters: Uncertain significance (2). 1 of the submissions does not count toward it. Last evaluated 2025-09-24.

Conditions:
NOTCH2-related disorder. Also called: NOTCH2-related condition.
Inborn genetic diseases. Identifiers: MedGen C0950123, MeSH D030342.
Hajdu-Cheney syndrome (HJCYS). Also called: Acroosteolysis dominant type; ACROOSTEOLYSIS WITH OSTEOPOROSIS AND CHANGES IN SKULL AND MANDIBLE; SERPENTINE FIBULA-POLYCYSTIC KIDNEY SYNDROME. Identifiers: Orphanet 955, MedGen C0917715, MONDO:0007057, OMIM 102500.

Allele frequency attached by ClinVar (database versions not stated): gnomAD 0.00001; ExAC 0.00002; gnomAD exomes below 0.00001; TOPMed 0.00002.
gnomAD v4.1: 10 of 1,614,066 alleles (0.00062%); highest among the groups gnomAD compares: East Asian, 0.02%; no homozygotes.

Submissions (3):

Labcorp Genetics (formerly Invitae), Labcorp
Classification: Uncertain significance for Hajdu-Cheney syndrome. Last evaluated: 2025-09-24. Review status: criteria provided, single submitter. Criteria: Invitae Variant Classification Sherloc (09022015). Collection method: clinical testing. Allele origin: germline.
Comment: This sequence change replaces arginine, which is basic and polar, with serine, which is neutral and polar, at codon 1801 of the NOTCH2 protein (p.Arg1801Ser). This variant is present in population databases (rs769458761, gnomAD 0.04%). This variant has not been reported in the literature in individuals affected with NOTCH2-related conditions. ClinVar contains an entry for this variant (Variation ID: 2880814). Invitae Evidence Modeling of protein sequence and biophysical properties (such as structural, functional, and spatial information, amino acid conservation, physicochemical variation, residue mobility, and thermodynamic stability) indicates that this missense variant is not expected to disrupt NOTCH2 protein function with a negative predictive value of 80%. In summary, the available evidence is currently insufficient to determine the role of this variant in disease. Therefore, it has been classified as a Variant of Uncertain Significance.

Ambry Genetics
Classification: Uncertain significance for Inborn genetic diseases. Last evaluated: 2023-12-12. Review status: criteria provided, single submitter. Criteria: Ambry Variant Classification Scheme 2023. Collection method: clinical testing. Allele origin: germline.

PreventionGenetics, part of Exact Sciences
Classification: Uncertain significance for NOTCH2-related condition. Last evaluated: 2024-01-19. Review status: no assertion criteria provided. Collection method: clinical testing. Allele origin: germline. Not counted in ClinVar's aggregate classification.
Comment: The NOTCH2 c.5403G>T variant is predicted to result in the amino acid substitution p.Arg1801Ser. To our knowledge, this variant has not been reported in the literature. This variant is reported in 0.045% of alleles in individuals of East Asian descent in gnomAD. Although we suspect that this variant may be benign, at this time, the clinical significance of this variant is uncertain due to the absence of conclusive functional and genetic evidence.